The following is an entry in ClinVar:

ClinVar aggregate classification (germline): Uncertain significance (1 of 4 stars; one submission).

Submission:

GeneDx
Classification: Uncertain significance. Last evaluated: 2015-09-21. Review status: criteria provided, single submitter. Criteria: GeneDx Variant Classification (06012015). Collection method: clinical testing. Allele origin: germline. Affected: yes.
Comment: The I597F variant has not been published as pathogenic, nor has it been reported as a benign polymorphism to our knowledge. It was not observed in approximately 6,500 individuals of European and African American ancestry in the NHLBI Exome Sequencing Project, indicating it is not a common benign variant in these populations. This substitution occurs at a position that is conserved across species. In silico analysis predicts this variant is probably damaging to the protein structure/function. Additionally, missense variants in nearby residues (N598K, R603C/H, R606H) have been reported in the Human Gene Mutation Database in association with SMARD1 (Stenson et al., 2014), supporting the functional importance of this region of the protein. However, the I597F variant is a conservative amino acid substitution, which is not likely to impact secondary protein structure as these residues share similar properties. Therefore, based on the currently available information, it is unclear whether this variant is a pathogenic variant or a rare benign variant.

NM_002180.3(IGHMBP2):c.1789A>T (p.Ile597Phe)

Gene: IGHMBP2 (immunoglobulin mu DNA binding protein 2; plus strand). Cytogenetic location: 11q13.3.
Variant type: single nucleotide variant.
Coding change: c.1789A>T on transcript NM_002180.3 (MANE Select); coding-DNA position 1789, A replaced by T.
Protein change: p.Ile597Phe; replaces isoleucine 597 with phenylalanine.
Molecular consequence: missense variant.
Genome position (GRCh38, 1-based): chr11:68,936,269, A>T. VCF-style: chr11-68936269-A-T. GRCh37 (hg19) VCF-style: chr11-68703737-A-T.
Other names: short protein forms I597F.
Identifiers: ClinVar variation 245909 (VCV000245909.2), dbSNP rs879253997, ClinGen allele CA10584391.